The following is an entry in ClinVar:

NM_020937.4(FANCM):c.2012A>G (p.Gln671Arg)

Gene: FANCM (FA complementation group M; plus strand). Cytogenetic location: 14q21.2.
Variant type: single nucleotide variant.
Coding change: c.2012A>G on transcript NM_020937.4 (MANE Select); coding-DNA position 2012, A replaced by G.
Protein change: p.Gln671Arg; replaces glutamine 671 with arginine.
Molecular consequence: missense variant.
Genome position (GRCh38, 1-based): chr14:45,170,598, A>G. VCF-style: chr14-45170598-A-G. GRCh37 (hg19) VCF-style: chr14-45639801-A-G.
Other names: c.1934A>G, p.Gln645Arg (NM_001308133.2); short protein forms Q645R, Q671R.
Identifiers: ClinVar variation 856129 (VCV000856129.11), dbSNP rs1888274919, ClinGen allele CA389595791.
Genomic context (GRCh38, chr14:45,170,598, plus strand): 5'-GCTTTGCAGATTTTTAAAAAGTCTCTTTTCCATTATTTTTTCAACTTATAGGAATGAGGC[A>G]AAGTAGCCTAAAGAAAGATTGGTTCTTATCAGAAGAAGAATTTAAATTATGGAACAGACT-3'
Protein context (NP_065988.1, residues 661-681): SIFSYRDGMR[Gln671Arg]SSLKKDWFLS

ClinVar aggregate classification (germline): Uncertain significance (1 of 4 stars; one submission).

Conditions:
Fanconi anemia (FA). Also called: Fanconi's anemia. Identifiers: Orphanet 84, MedGen C0015625, MeSH D005199, MONDO:0019391.

Submission:

Labcorp Genetics (formerly Invitae), Labcorp
Classification: Uncertain significance for Fanconi anemia. Last evaluated: 2023-09-12. Review status: criteria provided, single submitter. Criteria: Invitae Variant Classification Sherloc (09022015). Collection method: clinical testing. Allele origin: germline.
Comment: In summary, the available evidence is currently insufficient to determine the role of this variant in disease. Therefore, it has been classified as a Variant of Uncertain Significance. An algorithm developed to predict the effect of missense changes on protein structure and function (PolyPhen-2) suggests that this variant is likely to be tolerated. ClinVar contains an entry for this variant (Variation ID: 856129). This variant has not been reported in the literature in individuals affected with FANCM-related conditions. This variant is not present in population databases (gnomAD no frequency). This sequence change replaces glutamine, which is neutral and polar, with arginine, which is basic and polar, at codon 671 of the FANCM protein (p.Gln671Arg).